The following is an entry in ClinVar:

ClinVar aggregate classification (germline): Benign (1 of 4 stars; one submission).

Allele frequency attached by ClinVar (database versions not stated): gnomAD 0.04169 and 0.04584; TOPMed 0.04764; 1000 Genomes Project 30x 0.07714; 1000 Genomes Project 0.07808.
gnomAD v4.1: 6,951 of 152,040 alleles (4.6%); highest among the groups gnomAD compares: South Asian, 16%; 327 homozygotes.

Submission:

GeneDx
Classification: Benign. Last evaluated: 2018-06-14. Review status: criteria provided, single submitter. Criteria: GeneDx Variant Classification (06012015). Collection method: clinical testing. Allele origin: germline. Affected: yes.
Comment: This variant is considered likely benign or benign based on one or more of the following criteria: it is a conservative change, it occurs at a poorly conserved position in the protein, it is predicted to be benign by multiple in silico algorithms, and/or has population frequency not consistent with disease.

NM_001267550.2(TTN):c.44816-189A>C

Gene: TTN (titin; minus strand). Cytogenetic location: 2q31.2.
Variant type: single nucleotide variant.
Coding change: c.44816-189A>C on transcript NM_001267550.2 (MANE Select); 189 bases into the intron before coding-DNA position 44816, A replaced by C.
Molecular consequence: intron variant.
Genome position (GRCh38, 1-based): chr2:178,622,956, T>G on the plus strand (A>C on the coding strand, the complement: TTN is on the minus strand). VCF-style: chr2-178622956-T-G. GRCh37 (hg19) VCF-style: chr2-179487683-T-G.
Other names: c.17621-189A>C (NM_003319.4); c.18197-189A>C (NM_133437.4); c.17996-189A>C (NM_133432.3); c.37112-189A>C (NM_133378.4); c.39893-189A>C (NM_001256850.1).
Identifiers: ClinVar variation 672655 (VCV000672655.1), dbSNP rs2366752, ClinGen allele CA60995909.